The following is an entry in ClinVar:

ClinVar aggregate classification (germline): Likely benign. Review status: criteria provided, multiple submitters, no conflicts (2 of 4 stars). 7 submissions from 7 submitters: Likely benign (6). 1 of the submissions does not count toward it. Last evaluated 2025-12-16.

Conditions:
MYH11-related disorder. Also called: MYH11-related condition.
Aortic aneurysm, familial thoracic 4 (AAT4). Also called: AORTIC ANEURYSM/AORTIC DISSECTION AND PATENT DUCTUS ARTERIOSUS. Identifiers: MedGen C1851504, MONDO:0007568, OMIM 132900.
Familial thoracic aortic aneurysm and aortic dissection (TAAD). Also called: Thoracic aortic aneurysms and dissections. Identifiers: Orphanet 91387, MedGen C4707243, MONDO:0019625.

Allele frequency attached by ClinVar (database versions not stated): gnomAD 0.00001 and 0.00003; TOPMed 0.00003; gnomAD exomes 0.00005 and 0.00008; ESP Exome Variant Server 0.00008; ExAC 0.00009.
gnomAD v4.1: 88 of 1,613,034 alleles (0.0055%); highest among the groups gnomAD compares: South Asian, 0.045%; no homozygotes.

Submissions (7):

Labcorp Genetics (formerly Invitae), Labcorp
Classification: Likely benign for Aortic aneurysm, familial thoracic 4. Last evaluated: 2025-12-16. Review status: criteria provided, single submitter. Criteria: Invitae Variant Classification Sherloc (09022015). Collection method: clinical testing. Allele origin: germline.

All of Us Research Program, National Institutes of Health
Classification: Likely benign for Familial thoracic aortic aneurysm and aortic dissection. Last evaluated: 2024-02-05. Review status: criteria provided, single submitter. Criteria: ACMG Guidelines, 2015. Collection method: clinical testing. Allele origin: germline. Inheritance: Autosomal dominant inheritance. Observed: 6 variant alleles, 6 heterozygotes.
Comment: This study involves interpretation of variants in research participants for the purpose of population health screening. Participant phenotype was not available at the time of variant classification. Additional details can be found in publication PMID: 35346344, PMCID: PMC8962531

Blueprint Genetics
Classification: Likely benign. Last evaluated: 2021-09-27. Review status: criteria provided, single submitter. Criteria: ACMG Guidelines, 2015. Collection method: clinical testing. Allele origin: germline.

Color Diagnostics, LLC DBA Color Health
Classification: Likely benign for Familial thoracic aortic aneurysm and aortic dissection. Last evaluated: 2019-06-10. Review status: criteria provided, single submitter. Criteria: ACMG Guidelines, 2015. Collection method: clinical testing. Allele origin: germline.

GeneDx
Classification: Likely benign. Last evaluated: 2018-11-26. Review status: criteria provided, single submitter. Criteria: GeneDx Variant Classification Process June 2021. Collection method: clinical testing. Allele origin: germline. Affected: yes.

Ambry Genetics
Classification: Likely benign for Familial thoracic aortic aneurysm and aortic dissection. Last evaluated: 2017-09-28. Review status: criteria provided, single submitter. Criteria: Ambry Variant Classification Scheme 2023. Collection method: clinical testing. Allele origin: germline.

PreventionGenetics, part of Exact Sciences
Classification: Likely benign for MYH11-related condition. Last evaluated: 2023-08-18. Review status: no assertion criteria provided. Collection method: clinical testing. Allele origin: germline. Not counted in ClinVar's aggregate classification.
Comment: This variant is classified as likely benign based on ACMG/AMP sequence variant interpretation guidelines (Richards et al. 2015 PMID: 25741868, with internal and published modifications).

NM_002474.3(MYH11):c.3777G>A (p.Ala1259=)

Gene: MYH11 (myosin heavy chain 11; minus strand). Cytogenetic location: 16p13.11.
Variant type: single nucleotide variant.
Coding change: c.3777G>A on transcript NM_002474.3 (MANE Select); coding-DNA position 3777, G replaced by A.
Protein change: p.Ala1259=; no amino-acid change (alanine 1259 retained).
Molecular consequence: synonymous variant.
Genome position (GRCh38, 1-based): chr16:15,726,929, C>T on the plus strand (G>A on the coding strand, the complement: MYH11 is on the minus strand). VCF-style: chr16-15726929-C-T. GRCh37 (hg19) VCF-style: chr16-15820786-C-T.
Other names: c.3798G>A, p.Ala1266= (NM_001040113.2, NM_001040114.2); c.3777G>A, p.Ala1259= (NM_022844.3).
Identifiers: ClinVar variation 465730 (VCV000465730.25), dbSNP rs370031545, ClinGen allele CA7921893.